The following is an entry in ClinVar:

NM_004329.3(BMPR1A):c.1168G>T (p.Asp390Tyr)

Gene: BMPR1A (bone morphogenetic protein receptor type 1A; plus strand). Cytogenetic location: 10q23.2.
Variant type: single nucleotide variant.
Coding change: c.1168G>T on transcript NM_004329.3 (MANE Select); coding-DNA position 1168, G replaced by T.
Protein change: p.Asp390Tyr; replaces aspartic acid 390 with tyrosine.
Molecular consequence: missense variant. On other transcripts: non-coding transcript variant (3).
Genome position (GRCh38, 1-based): chr10:86,921,521, G>T. VCF-style: chr10-86921521-G-T. GRCh37 (hg19) VCF-style: chr10-88681278-G-T.
Other names: c.1243G>T, p.Asp415Tyr (NM_001406559.1); c.1216G>T, p.Asp406Tyr (NM_001406560.1); c.1168G>T, p.Asp390Tyr (NM_001406561.1, NM_001406562.1, NM_001406563.1 and 19 more transcripts); c.1162G>T, p.Asp388Tyr (NM_001406583.1); c.1084G>T, p.Asp362Tyr (NM_001406584.1, NM_001406585.1, NM_001406586.1 and 2 more transcripts); c.826G>T, p.Asp276Tyr (NM_001406589.1); short protein forms D276Y, D362Y, D388Y, D390Y, D406Y, D415Y.
Identifiers: ClinVar variation 4867567 (VCV004867567.1).

ClinVar aggregate classification (germline): Uncertain significance (1 of 4 stars; one submission).

Conditions:
Hereditary cancer-predisposing syndrome. Also called: Neoplastic Syndromes, Hereditary; Tumor predisposition; Hereditary Cancer Syndrome; Hereditary neoplastic syndrome. Identifiers: Orphanet 140162, MedGen C0027672, MeSH D009386, MONDO:0015356.

Submission:

Ambry Genetics
Classification: Uncertain significance for Hereditary cancer-predisposing syndrome. Last evaluated: 2026-05-28. Review status: criteria provided, single submitter. Criteria: Ambry Variant Classification Scheme 2023. Collection method: clinical testing. Allele origin: germline.
Comment: The p.D390Y variant (also known as c.1168G>T), located in coding exon 9 of the BMPR1A gene, results from a G to T substitution at nucleotide position 1168. The aspartic acid at codon 390 is replaced by tyrosine, an amino acid with highly dissimilar properties. This amino acid position is conserved. In addition, this alteration is predicted to be deleterious by in silico analysis. Based on the available evidence, the clinical significance of this variant remains unclear.